The following is an entry in ClinVar:

ClinVar aggregate classification (germline): Uncertain significance (1 of 4 stars; one submission).

Submission:

Labcorp Genetics (formerly Invitae), Labcorp
Classification: Uncertain significance. Last evaluated: 2021-11-23. Review status: criteria provided, single submitter. Criteria: Invitae Variant Classification Sherloc (09022015). Collection method: clinical testing. Allele origin: germline.
Comment: This sequence change replaces lysine, which is basic and polar, with glutamic acid, which is acidic and polar, at codon 3831 of the KMT2A protein (p.Lys3831Glu). This variant is not present in population databases (gnomAD no frequency). This variant has not been reported in the literature in individuals affected with KMT2A-related conditions. Advanced modeling of protein sequence and biophysical properties (such as structural, functional, and spatial information, amino acid conservation, physicochemical variation, residue mobility, and thermodynamic stability) performed at Invitae indicates that this missense variant is expected to disrupt KMT2A protein function. In summary, the available evidence is currently insufficient to determine the role of this variant in disease. Therefore, it has been classified as a Variant of Uncertain Significance.

NM_001197104.2(KMT2A):c.11491A>G (p.Lys3831Glu)

Genes: TTC36-AS1 (TTC36 and KMT2A antisense RNA 1; minus strand), KMT2A (lysine methyltransferase 2A; plus strand). Cytogenetic location: 11q23.3.
Variant type: single nucleotide variant.
Coding change: c.11491A>G on transcript NM_001197104.2 (MANE Select); coding-DNA position 11491, A replaced by G.
Protein change: p.Lys3831Glu; replaces lysine 3831 with glutamic acid.
Molecular consequence: missense variant.
Genome position (GRCh38, 1-based): chr11:118,520,863, A>G. VCF-style: chr11-118520863-A-G. GRCh37 (hg19) VCF-style: chr11-118391578-A-G.
Other names: c.11482A>G, p.Lys3828Glu (NM_005933.4); short protein forms K3831E, K3828E.
Identifiers: ClinVar variation 1505236 (VCV001505236.6), dbSNP rs2135290110, ClinGen allele CA382835244.
Genomic context (GRCh38, chr11:118,520,863, plus strand): 5'-AGGGCAACTAGCATGGATCTGCCAATGCCCATGCGCTTCCGGCACTTAAAAAAGACTTCT[A>G]AGGAGGCAGTTGGTGTCTACAGGTATGACTAAAATTCTAGAAAGAATTACAGAAAACGAA-3'
Protein context (NP_001184033.1, residues 3821-3841): MRFRHLKKTS[Lys3831Glu]EAVGVYRSPI